The following is an entry in ClinVar:

ClinVar aggregate classification (germline): Uncertain significance (1 of 4 stars; one submission).

Conditions:
Atrial fibrillation, familial, 14 (ATFB14). Identifiers: MedGen C3809312, MONDO:0014156, OMIM 615378.

Submission:

Labcorp Genetics (formerly Invitae), Labcorp
Classification: Uncertain significance for Atrial fibrillation, familial, 14. Last evaluated: 2024-05-19. Review status: criteria provided, single submitter. Criteria: Invitae Variant Classification Sherloc (09022015). Collection method: clinical testing. Allele origin: germline.
Comment: This sequence change replaces leucine, which is neutral and non-polar, with proline, which is neutral and non-polar, at codon 41 of the SCN2B protein (p.Leu41Pro). This variant is present in population databases (rs780635743, gnomAD 0.0009%). This variant has not been reported in the literature in individuals affected with SCN2B-related conditions. An algorithm developed to predict the effect of missense changes on protein structure and function (PolyPhen-2) suggests that this variant is likely to be disruptive. In summary, the available evidence is currently insufficient to determine the role of this variant in disease. Therefore, it has been classified as a Variant of Uncertain Significance.

NM_004588.5(SCN2B):c.122T>C (p.Leu41Pro)

Gene: SCN2B (sodium voltage-gated channel beta subunit 2; minus strand). Cytogenetic location: 11q23.3.
Variant type: single nucleotide variant.
Coding change: c.122T>C on transcript NM_004588.5 (MANE Select); coding-DNA position 122, T replaced by C.
Protein change: p.Leu41Pro; replaces leucine 41 with proline.
Molecular consequence: missense variant.
Genome position (GRCh38, 1-based): chr11:118,168,700, A>G on the plus strand (T>C on the coding strand, the complement: SCN2B is on the minus strand). VCF-style: chr11-118168700-A-G. GRCh37 (hg19) VCF-style: chr11-118039415-A-G.
Other names: short protein forms L41P.
Identifiers: ClinVar variation 3627707 (VCV003627707.2).